The following is an entry in ClinVar:

NM_000152.5(GAA):c.2316G>A (p.Trp772Ter)

Gene: GAA (alpha glucosidase; plus strand). Cytogenetic location: 17q25.3.
Variant type: single nucleotide variant.
Coding change: c.2316G>A on transcript NM_000152.5 (MANE Select); coding-DNA position 2316, G replaced by A.
Protein change: p.Trp772Ter; replaces tryptophan 772 with a stop codon.
Molecular consequence: nonsense.
Genome position (GRCh38, 1-based): chr17:80,117,094, G>A. VCF-style: chr17-80117094-G-A. GRCh37 (hg19) VCF-style: chr17-78090893-G-A.
Other names: c.2316G>A, p.Trp772Ter (NM_001079803.3, NM_001079804.3, NM_001406741.1 and 1 more transcripts); short protein forms W772*.
Identifiers: ClinVar variation 4876320 (VCV004876320.1).
Genomic context (GRCh38, chr17:80,117,094, plus strand): 5'-CACCCCAGTGCTCCAGGCCGGGAAGGCCGAAGTGACTGGCTACTTCCCCTTGGGCACATG[G>A]TACGACCTGCAGACGGTGAGTCTGGGGACCCTAAGCCCTGGGGAGACGGGAGACCAGAGC-3'

ClinVar aggregate classification (germline): Pathogenic (1 of 4 stars; one submission).

Conditions:
Glycogen storage disease, type II (IOPD). Also called: Pompe Disease; CARDIOMEGALIA GLYCOGENICA DIFFUSA; GLYCOGENOSIS, GENERALIZED, CARDIAC FORM; GSD II; POMPE DISEASE, INFANTILE-ONSET; GLYCOGEN STORAGE DISEASE II, INFANTILE-ONSET. Identifiers: Orphanet 365, MedGen C0017921, MONDO:0009290, OMIM 232300.

Submission:

Genomenon, Inc
Classification: Pathogenic for Glycogen storage disease, type II. Last evaluated: 2026-07-01. Review status: criteria provided, single submitter. Criteria: Genomenon Sequence Variant Interpretation Standards - Updated. Collection method: curation. Allele origin: germline. Affected: yes.
Comment: GAA p.Trp772Ter (c.2316G>A) is a nonsense variant that introduces a premature stop codon at amino acid position 772 and is predicted to result in a truncated or absent protein product. This variant has been observed in at least one proband with a GAA-related disorder (PMID:27858614). It is absent or not present at a significant frequency in gnomAD. In conclusion, we classify GAA p.Trp772Ter (c.2316G>A) as a pathogenic variant.

Literature cited by the submitters: PubMed 27858614.